The following is an entry in ClinVar:

ClinVar aggregate classification (germline): Uncertain significance. Review status: criteria provided, multiple submitters, no conflicts (2 of 4 stars). 2 submissions from 2 submitters: Uncertain significance (2). Last evaluated 2023-07-11.

Conditions:
Inborn genetic diseases. Identifiers: MedGen C0950123, MeSH D030342.
Congenital disorder of glycosylation, type Ii. Also called: ALG2-congenital disorder of glycosylation; ALG2-CDG; CDG Ii. Identifiers: Orphanet 79326, MedGen C1842836, MONDO:0011933, OMIM 607906.
Congenital myasthenic syndrome 14. Also called: Myasthenic syndrome, congenital, 14, with tubular aggregates. Identifiers: Orphanet 353327, Orphanet 590, MedGen C4015597, MONDO:0014543, OMIM 616228.

Submissions (2):

Ambry Genetics
Classification: Uncertain significance for Inborn genetic diseases. Last evaluated: 2023-07-11. Review status: criteria provided, single submitter. Criteria: Ambry Variant Classification Scheme 2023. Collection method: clinical testing. Allele origin: germline.

Labcorp Genetics (formerly Invitae), Labcorp
Classification: Uncertain significance for Congenital disorder of glycosylation, type Ii; Congenital myasthenic syndrome 14. Last evaluated: 2021-09-29. Review status: criteria provided, single submitter. Criteria: Invitae Variant Classification Sherloc (09022015). Collection method: clinical testing. Allele origin: germline.
Comment: In summary, the available evidence is currently insufficient to determine the role of this variant in disease. Therefore, it has been classified as a Variant of Uncertain Significance. Algorithms developed to predict the effect of missense changes on protein structure and function (SIFT, PolyPhen-2, Align-GVGD) all suggest that this variant is likely to be disruptive. This variant has not been reported in the literature in individuals affected with ALG2-related conditions. This variant is not present in population databases (ExAC no frequency). This sequence change replaces phenylalanine with cysteine at codon 60 of the ALG2 protein (p.Phe60Cys). The phenylalanine residue is highly conserved and there is a large physicochemical difference between phenylalanine and cysteine.

NM_033087.4(ALG2):c.179T>G (p.Phe60Cys)

Gene: ALG2 (ALG2 alpha-1,3/1,6-mannosyltransferase; minus strand). Cytogenetic location: 9q22.33.
Variant type: single nucleotide variant.
Coding change: c.179T>G on transcript NM_033087.4 (MANE Select); coding-DNA position 179, T replaced by G.
Protein change: p.Phe60Cys; replaces phenylalanine 60 with cysteine.
Molecular consequence: missense variant. On other transcripts: non-coding transcript variant (1).
Genome position (GRCh38, 1-based): chr9:99,221,716, A>C on the plus strand (T>G on the coding strand, the complement: ALG2 is on the minus strand). VCF-style: chr9-99221716-A-C. GRCh37 (hg19) VCF-style: chr9-101983998-A-C.
Other names: c.179T>G (NM_033087.3); short protein forms F60C.
Identifiers: ClinVar variation 1380372 (VCV001380372.7), dbSNP rs753517894, ClinGen allele CA374232071.